The following is an entry in ClinVar:

NM_020699.4(GATAD2B):c.227A>G (p.Glu76Gly)

Gene: GATAD2B (GATA zinc finger domain containing 2B; minus strand). Cytogenetic location: 1q21.3.
Variant type: single nucleotide variant.
Coding change: c.227A>G on transcript NM_020699.4 (MANE Select); coding-DNA position 227, A replaced by G.
Protein change: p.Glu76Gly; replaces glutamic acid 76 with glycine.
Molecular consequence: missense variant.
Genome position (GRCh38, 1-based): chr1:153,828,121, T>C on the plus strand (A>G on the coding strand, the complement: GATAD2B is on the minus strand). VCF-style: chr1-153828121-T-C. GRCh37 (hg19) VCF-style: chr1-153800597-T-C.
Other names: c.227A>G (NM_020699.2); short protein forms E76G.
Identifiers: ClinVar variation 2794750 (VCV002794750.4), dbSNP rs1290954595, ClinGen allele CA342540451.
Genomic context (GRCh38, chr1:153,828,121, plus strand): 5'-CCTGGCCTTCCAGCAGTCCTGTTGTCTCCATGAGGCCTGAGATTCCCGTTAAGTTTTTCT[T>C]CATAGCCCTTGACACCACTGCCATCCTGTTTGGTGGGTAACTCATGTGGCACCTCAAGAT-3'
Protein context (NP_065750.1, residues 66-86): KQDGSGVKGY[Glu76Gly]EKLNGNLRPH

ClinVar aggregate classification (germline): Uncertain significance. Review status: criteria provided, multiple submitters, no conflicts (2 of 4 stars). 2 submissions from 2 submitters: Uncertain significance (2). Last evaluated 2023-12-30.

Conditions:
Inborn genetic diseases. Identifiers: MedGen C0950123, MeSH D030342.

Allele frequency attached by ClinVar (database versions not stated): TOPMed below 0.00001; gnomAD 0.00001.
gnomAD v4.1: 1 of 1,614,086 alleles (0.000062%); highest among the groups gnomAD compares: Non-Finnish European, 0.000085%; no homozygotes.

Submissions (2):

Labcorp Genetics (formerly Invitae), Labcorp
Classification: Uncertain significance. Last evaluated: 2023-12-30. Review status: criteria provided, single submitter. Criteria: Invitae Variant Classification Sherloc (09022015). Collection method: clinical testing. Allele origin: germline.
Comment: This sequence change replaces glutamic acid, which is acidic and polar, with glycine, which is neutral and non-polar, at codon 76 of the GATAD2B protein (p.Glu76Gly). This variant is not present in population databases (gnomAD no frequency). This variant has not been reported in the literature in individuals affected with GATAD2B-related conditions. Advanced modeling of protein sequence and biophysical properties (such as structural, functional, and spatial information, amino acid conservation, physicochemical variation, residue mobility, and thermodynamic stability) performed at Invitae indicates that this missense variant is not expected to disrupt GATAD2B protein function with a negative predictive value of 80%. In summary, the available evidence is currently insufficient to determine the role of this variant in disease. Therefore, it has been classified as a Variant of Uncertain Significance.

Ambry Genetics
Classification: Uncertain significance for Inborn genetic diseases. Last evaluated: 2023-11-29. Review status: criteria provided, single submitter. Criteria: Ambry Variant Classification Scheme 2023. Collection method: clinical testing. Allele origin: germline.